The following is an entry in ClinVar:

ClinVar aggregate classification (germline): Uncertain significance. Review status: criteria provided, multiple submitters, no conflicts (2 of 4 stars). 2 submissions from 2 submitters: Uncertain significance (2). Last evaluated 2021-12-06.

Conditions:
Inborn genetic diseases. Identifiers: MedGen C0950123, MeSH D030342.
DOCK2 deficiency. Also called: Immunodeficiency 40. Identifiers: Orphanet 447737, MedGen C4225328, MONDO:0014637, OMIM 616433.

Allele frequency attached by ClinVar (database versions not stated): gnomAD 0.00001; ExAC 0.00002; TOPMed 0.00002; gnomAD exomes 0.00005.

Submissions (2):

Ambry Genetics
Classification: Uncertain significance for Inborn genetic diseases. Last evaluated: 2021-12-06. Review status: criteria provided, single submitter. Criteria: Ambry Variant Classification Scheme 2023. Collection method: clinical testing. Allele origin: germline.

Labcorp Genetics (formerly Invitae), Labcorp
Classification: Uncertain significance for DOCK2 deficiency. Last evaluated: 2021-09-02. Review status: criteria provided, single submitter. Criteria: Invitae Variant Classification Sherloc (09022015). Collection method: clinical testing. Allele origin: germline.
Comment: This sequence change replaces methionine with threonine at codon 1388 of the DOCK2 protein (p.Met1388Thr). The methionine residue is moderately conserved and there is a moderate physicochemical difference between methionine and threonine. This variant is present in population databases (rs765831486, ExAC 0.03%). This variant has not been reported in the literature in individuals affected with DOCK2-related conditions. Algorithms developed to predict the effect of missense changes on protein structure and function are either unavailable or do not agree on the potential impact of this missense change (SIFT: "Deleterious"; PolyPhen-2: "Possibly Damaging"; Align-GVGD: "Class C0"). In summary, the available evidence is currently insufficient to determine the role of this variant in disease. Therefore, it has been classified as a Variant of Uncertain Significance.

NM_004946.3(DOCK2):c.4163T>C (p.Met1388Thr)

Gene: DOCK2 (dedicator of cytokinesis 2; plus strand). Cytogenetic location: 5q35.1.
Variant type: single nucleotide variant.
Coding change: c.4163T>C on transcript NM_004946.3 (MANE Select); coding-DNA position 4163, T replaced by C.
Protein change: p.Met1388Thr; replaces methionine 1388 with threonine.
Molecular consequence: missense variant. On other transcripts: non-coding transcript variant (1).
Genome position (GRCh38, 1-based): chr5:170,050,347, T>C. VCF-style: chr5-170050347-T-C. GRCh37 (hg19) VCF-style: chr5-169477351-T-C.
Other names: c.4163T>C (NM_004946.2); short protein forms M1388T.
Identifiers: ClinVar variation 1046668 (VCV001046668.6), dbSNP rs765831486, ClinGen allele CA3554446.